The following is an entry in ClinVar:

ClinVar aggregate classification (germline): Uncertain significance. Review status: criteria provided, multiple submitters, no conflicts (2 of 4 stars). 2 submissions from 2 submitters: Uncertain significance (2). Last evaluated 2024-08-03.

Conditions:
Hereditary cancer-predisposing syndrome. Also called: Neoplastic Syndromes, Hereditary; Tumor predisposition; Hereditary Cancer Syndrome; Hereditary neoplastic syndrome. Identifiers: Orphanet 140162, MedGen C0027672, MeSH D009386, MONDO:0015356.
Oligodontia-cancer predisposition syndrome. Also called: TOOTH AGENESIS-COLORECTAL CANCER SYNDROME. Identifiers: Orphanet 300576, MedGen C1837750, MONDO:0012075, OMIM 608615. Disease mechanism: loss of function.

Allele frequency attached by ClinVar (database versions not stated): gnomAD 0.00001; ExAC 0.00003.
gnomAD v4.1: 7 of 1,587,678 alleles (0.00044%); highest among the groups gnomAD compares: South Asian, 0.008%; no homozygotes.

Submissions (2):

Labcorp Genetics (formerly Invitae), Labcorp
Classification: Uncertain significance for Oligodontia-cancer predisposition syndrome. Last evaluated: 2024-08-03. Review status: criteria provided, single submitter. Criteria: Invitae Variant Classification Sherloc (09022015). Collection method: clinical testing. Allele origin: germline.
Comment: This sequence change replaces glutamine, which is neutral and polar, with proline, which is neutral and non-polar, at codon 420 of the AXIN2 protein (p.Gln420Pro). This variant is present in population databases (rs774530969, gnomAD 0.02%). This variant has not been reported in the literature in individuals affected with AXIN2-related conditions. ClinVar contains an entry for this variant (Variation ID: 1762461). Advanced modeling of protein sequence and biophysical properties (such as structural, functional, and spatial information, amino acid conservation, physicochemical variation, residue mobility, and thermodynamic stability) performed at Invitae indicates that this missense variant is not expected to disrupt AXIN2 protein function with a negative predictive value of 80%. In summary, the available evidence is currently insufficient to determine the role of this variant in disease. Therefore, it has been classified as a Variant of Uncertain Significance.

Ambry Genetics
Classification: Uncertain significance for Hereditary cancer-predisposing syndrome. Last evaluated: 2022-02-01. Review status: criteria provided, single submitter. Criteria: Ambry Variant Classification Scheme 2023. Collection method: clinical testing. Allele origin: germline.
Comment: The p.Q420P variant (also known as c.1259A>C), located in coding exon 5 of the AXIN2 gene, results from an A to C substitution at nucleotide position 1259. The glutamine at codon 420 is replaced by proline, an amino acid with similar properties. This amino acid position is conserved. In addition, this alteration is predicted to be tolerated by in silico analysis. Since supporting evidence is limited at this time, the clinical significance of this alteration remains unclear.

NM_004655.4(AXIN2):c.1259A>C (p.Gln420Pro)

Gene: AXIN2 (axin 2; minus strand). Cytogenetic location: 17q24.1.
Variant type: single nucleotide variant.
Coding change: c.1259A>C on transcript NM_004655.4 (MANE Select); coding-DNA position 1259, A replaced by C.
Protein change: p.Gln420Pro; replaces glutamine 420 with proline.
Molecular consequence: missense variant.
Genome position (GRCh38, 1-based): chr17:65,537,777, T>G on the plus strand (A>C on the coding strand, the complement: AXIN2 is on the minus strand). VCF-style: chr17-65537777-T-G. GRCh37 (hg19) VCF-style: chr17-63533895-T-G.
Other names: c.1259A>C, p.Gln420Pro (NM_001363813.1); short protein forms Q420P.
Identifiers: ClinVar variation 1762461 (VCV001762461.7), dbSNP rs774530969, ClinGen allele CA8718698.